The following is an entry in ClinVar:

ClinVar aggregate classification (germline): Uncertain significance. Review status: criteria provided, multiple submitters, no conflicts (2 of 4 stars). 2 submissions from 2 submitters: Uncertain significance (2). Last evaluated 2026-04-15.

Conditions:
Hereditary cancer-predisposing syndrome. Also called: Tumor predisposition; Neoplastic Syndromes, Hereditary; Hereditary Cancer Syndrome; Hereditary neoplastic syndrome. Identifiers: Orphanet 140162, MedGen C0027672, MeSH D009386, MONDO:0015356.
Retinoblastoma (RB1). Also called: RETINOBLASTOMA, SOMATIC. Identifiers: Orphanet 790, MedGen C0035335, MeSH D012175, MONDO:0008380, OMIM 180200, HP:0009919. Disease mechanism: loss of function. Inheritance: Both sporadic and heritable forms are tested..

Submissions (2):

Ambry Genetics
Classification: Uncertain significance for Hereditary cancer-predisposing syndrome. Last evaluated: 2026-04-15. Review status: criteria provided, single submitter. Criteria: Ambry Variant Classification Scheme 2023. Collection method: clinical testing. Allele origin: germline.
Comment: The p.H549R variant (also known as c.1646A>G), located in coding exon 17 of the RB1 gene, results from an A to G substitution at nucleotide position 1646. The histidine at codon 549 is replaced by arginine, an amino acid with highly similar properties. This amino acid position is highly conserved in available vertebrate species. In addition, this alteration is predicted to be deleterious by in silico analysis. Based on the available evidence, the clinical significance of this variant remains unclear.

Labcorp Genetics (formerly Invitae), Labcorp
Classification: Uncertain significance for Retinoblastoma. Last evaluated: 2025-08-01. Review status: criteria provided, single submitter. Criteria: Invitae Variant Classification Sherloc (09022015). Collection method: clinical testing. Allele origin: germline.
Comment: This sequence change replaces histidine, which is basic and polar, with arginine, which is basic and polar, at codon 549 of the RB1 protein (p.His549Arg). This variant is not present in population databases (gnomAD no frequency). This variant has not been reported in the literature in individuals affected with RB1-related conditions. ClinVar contains an entry for this variant (Variation ID: 1522098). Invitae Evidence Modeling of protein sequence and biophysical properties (such as structural, functional, and spatial information, amino acid conservation, physicochemical variation, residue mobility, and thermodynamic stability) has been performed for this missense variant. However, the output from this modeling did not meet the statistical confidence thresholds required to predict the impact of this variant on RB1 protein function. In summary, the available evidence is currently insufficient to determine the role of this variant in disease. Therefore, it has been classified as a Variant of Uncertain Significance.

NM_000321.3(RB1):c.1646A>G (p.His549Arg)

Gene: RB1 (RB transcriptional corepressor 1; plus strand). Cytogenetic location: 13q14.2.
Variant type: single nucleotide variant.
Coding change: c.1646A>G on transcript NM_000321.3 (MANE Select); coding-DNA position 1646, A replaced by G.
Protein change: p.His549Arg; replaces histidine 549 with arginine.
Molecular consequence: missense variant.
Genome position (GRCh38, 1-based): chr13:48,381,394, A>G. VCF-style: chr13-48381394-A-G. GRCh37 (hg19) VCF-style: chr13-48955530-A-G.
Other names: short protein forms H549R.
Identifiers: ClinVar variation 1522098 (VCV001522098.10), dbSNP rs2138145592, ClinGen allele CA388163903.